The following is an entry in ClinVar:

NM_000136.3(FANCC):c.1621C>T (p.Pro541Ser)

Genes: AOPEP (aminopeptidase O (putative); plus strand), FANCC (FA complementation group C; minus strand). Cytogenetic location: 9q22.32.
Variant type: single nucleotide variant.
Coding change: c.1621C>T on transcript NM_000136.3 (MANE Select); coding-DNA position 1621, C replaced by T.
Protein change: p.Pro541Ser; replaces proline 541 with serine.
Molecular consequence: missense variant.
Genome position (GRCh38, 1-based): chr9:95,101,763, G>A on the plus strand (C>T on the coding strand, the complement: FANCC is on the minus strand). VCF-style: chr9-95101763-G-A. GRCh37 (hg19) VCF-style: chr9-97864045-G-A.
Other names: c.1621C>T, p.Pro541Ser (NM_001243743.2); short protein forms P541S.
Identifiers: ClinVar variation 1036296 (VCV001036296.6), dbSNP rs2071084988, ClinGen allele CA374104415.

ClinVar aggregate classification (germline): Uncertain significance (1 of 4 stars; one submission).

Conditions:
Fanconi anemia (FA). Also called: Fanconi's anemia. Identifiers: Orphanet 84, MedGen C0015625, MeSH D005199, MONDO:0019391.

Allele frequency attached by ClinVar (database versions not stated): gnomAD exomes below 0.00001.
gnomAD v4.1: 1 of 1,614,090 alleles (0.000062%); highest among the groups gnomAD compares: Non-Finnish European, 0.000085%; no homozygotes.

Submission:

Labcorp Genetics (formerly Invitae), Labcorp
Classification: Uncertain significance for Fanconi anemia. Last evaluated: 2021-08-31. Review status: criteria provided, single submitter. Criteria: Invitae Variant Classification Sherloc (09022015). Collection method: clinical testing. Allele origin: germline.
Comment: This sequence change replaces proline with serine at codon 541 of the FANCC protein (p.Pro541Ser). The proline residue is weakly conserved and there is a moderate physicochemical difference between proline and serine. This variant is not present in population databases (ExAC no frequency). This variant has not been reported in the literature in individuals affected with FANCC-related conditions. Algorithms developed to predict the effect of missense changes on protein structure and function output the following: SIFT: "Tolerated"; PolyPhen-2: "Benign"; Align-GVGD: "Class C0". The serine amino acid residue is found in multiple mammalian species, which suggests that this missense change does not adversely affect protein function. In summary, the available evidence is currently insufficient to determine the role of this variant in disease. Therefore, it has been classified as a Variant of Uncertain Significance.